The following is an entry in ClinVar:

NM_007192.4(SUPT16H):c.1696A>G (p.Thr566Ala)

Gene: SUPT16H (SPT16 homolog, facilitates chromatin remodeling subunit; minus strand). Cytogenetic location: 14q11.2.
Variant type: single nucleotide variant.
Coding change: c.1696A>G on transcript NM_007192.4 (MANE Select); coding-DNA position 1696, A replaced by G.
Protein change: p.Thr566Ala; replaces threonine 566 with alanine.
Molecular consequence: missense variant.
Genome position (GRCh38, 1-based): chr14:21,362,294, T>C on the plus strand (A>G on the coding strand, the complement: SUPT16H is on the minus strand). VCF-style: chr14-21362294-T-C. GRCh37 (hg19) VCF-style: chr14-21830453-T-C.
Other names: c.1696A>G (NM_007192.3); short protein forms T566A.
Identifiers: ClinVar variation 3233703 (VCV003233703.3), dbSNP rs2503028821, ClinGen allele CA388865325.

ClinVar aggregate classification (germline): Uncertain significance. Review status: criteria provided, multiple submitters, no conflicts (2 of 4 stars). 2 submissions from 2 submitters: Uncertain significance (2). Last evaluated 2026-02-10.

Submissions (2):

GeneDx
Classification: Uncertain significance. Last evaluated: 2026-02-10. Review status: criteria provided, single submitter. Criteria: GeneDx Variant Classification Process June 2021. Collection method: clinical testing. Allele origin: germline.
Comment: Not observed at significant frequency in large population cohorts (gnomAD); In silico analysis supports that this missense variant has a deleterious effect on protein structure/function; Has not been previously published as pathogenic or benign to our knowledge

Women's Health and Genetics/Laboratory Corporation of America, LabCorp
Classification: Uncertain significance. Last evaluated: 2024-03-01. Review status: criteria provided, single submitter. Criteria: LabCorp Variant Classification Summary - May 2015. Collection method: clinical testing. Allele origin: germline.
Comment: Variant summary: SUPT16H c.1696A>G (p.Thr566Ala) results in a non-conservative amino acid change in the encoded protein sequence. Four of five in-silico tools predict a damaging effect of the variant on protein function. The variant was absent in 251232 control chromosomes (gnomAD). The available data on variant occurrences in the general population are insufficient to allow any conclusion about variant significance. To our knowledge, no occurrence of c.1696A>G in individuals affected with Neurodevelopmental Disorder With Dysmorphic Facies And Thin Corpus Callosum and no experimental evidence demonstrating its impact on protein function have been reported. No submitters have cited clinical-significance assessments for this variant to ClinVar. Based on the evidence outlined above, the variant was classified as uncertain significance.